The following is an entry in ClinVar:

NM_000059.4(BRCA2):c.1909+9G>C

Gene: BRCA2 (BRCA2 DNA repair associated; plus strand). Cytogenetic location: 13q13.1.
Variant type: single nucleotide variant.
Coding change: c.1909+9G>C on transcript NM_000059.4 (MANE Select); 9 bases into the intron after coding-DNA position 1909, G replaced by C.
Molecular consequence: intron variant.
Genome position (GRCh38, 1-based): chr13:32,333,396, G>C. VCF-style: chr13-32333396-G-C. GRCh37 (hg19) VCF-style: chr13-32907533-G-C.
Identifiers: ClinVar variation 759670 (VCV000759670.13), dbSNP rs794726969, ClinGen allele CA915946971.

ClinVar aggregate classification (germline): Likely benign. Review status: criteria provided, multiple submitters, no conflicts (2 of 4 stars). 3 submissions from 3 submitters: Likely benign (2). 1 of the submissions does not count toward it. Last evaluated 2026-01-31.

Conditions:
BRCA2-related disorder. Also called: BRCA2-related condition; BRCA2-related disorders. Identifiers: MedGen CN239275.
Hereditary breast ovarian cancer syndrome. Also called: Hereditary breast and ovarian cancer; Hereditary breast and/or ovarian cancer syndrome; Hereditary breast and ovarian cancer syndrome (HBOC); Breast and ovarian cancer; BRCA1- and BRCA2-Associated Hereditary Breast and Ovarian Cancer; Hereditary breast and ovarian cancer syndrome. Identifiers: Orphanet 145, MedGen C0677776, MeSH D061325, MONDO:0003582. Disease mechanism: loss of function.

Submissions (3):

Labcorp Genetics (formerly Invitae), Labcorp
Classification: Likely benign for Hereditary breast ovarian cancer syndrome. Last evaluated: 2026-01-31. Review status: criteria provided, single submitter. Criteria: Invitae Variant Classification Sherloc (09022015). Collection method: clinical testing. Allele origin: germline.

Women's Health and Genetics/Laboratory Corporation of America, LabCorp
Classification: Likely benign. Last evaluated: 2024-12-17. Review status: criteria provided, single submitter. Criteria: LabCorp Variant Classification Summary - May 2015. Collection method: clinical testing. Allele origin: germline.
Comment: Variant summary: BRCA2 c.1909+9G>C alters a non-conserved nucleotide located at a position not widely known to affect splicing. Consensus agreement among computation tools predict no significant impact on normal splicing (TrAP). However, these predictions have yet to be confirmed by functional studies. The frequency data for this variant in gnomAD is considered unreliable, as metrics indicate poor data quality at this position. To our knowledge, no occurrence of c.1909+9G>C in individuals affected with Hereditary Breast And Ovarian Cancer Syndrome and no experimental evidence demonstrating its impact on protein function have been reported. ClinVar contains an entry for this variant (Variation ID: 759670). Based on the evidence outlined above, the variant was classified as likely benign.

PreventionGenetics, part of Exact Sciences
Classification: Likely benign for BRCA2-related condition. Last evaluated: 2019-09-03. Review status: no assertion criteria provided. Collection method: clinical testing. Allele origin: germline. Not counted in ClinVar's aggregate classification.
Comment: This variant is classified as likely benign based on ACMG/AMP sequence variant interpretation guidelines (Richards et al. 2015 PMID: 25741868, with internal and published modifications).